The following is an entry in ClinVar:

ClinVar aggregate classification (germline): Uncertain significance (1 of 4 stars; one submission).

Allele frequency attached by ClinVar (database versions not stated): ExAC 0.00001; gnomAD 0.00002; TOPMed 0.00003.
gnomAD v4.1: 26 of 1,613,862 alleles (0.0016%); highest among the groups gnomAD compares: South Asian, 0.0077%; no homozygotes.

Submission:

Labcorp Genetics (formerly Invitae), Labcorp
Classification: Uncertain significance. Last evaluated: 2025-01-06. Review status: criteria provided, single submitter. Criteria: Invitae Variant Classification Sherloc (09022015). Collection method: clinical testing. Allele origin: germline.
Comment: This sequence change replaces arginine, which is basic and polar, with glutamine, which is neutral and polar, at codon 4576 of the HMCN1 protein (p.Arg4576Gln). This variant is present in population databases (rs773199953, gnomAD 0.01%). This variant has not been reported in the literature in individuals affected with HMCN1-related conditions. ClinVar contains an entry for this variant (Variation ID: 1983057). An algorithm developed to predict the effect of missense changes on protein structure and function outputs the following: PolyPhen-2: "Benign". The glutamine amino acid residue is found in multiple mammalian species, which suggests that this missense change does not adversely affect protein function. In summary, the available evidence is currently insufficient to determine the role of this variant in disease. Therefore, it has been classified as a Variant of Uncertain Significance.

NM_031935.3(HMCN1):c.13727G>A (p.Arg4576Gln)

Gene: HMCN1 (hemicentin 1; plus strand). Cytogenetic location: 1q31.1.
Variant type: single nucleotide variant.
Coding change: c.13727G>A on transcript NM_031935.3 (MANE Select); coding-DNA position 13727, G replaced by A.
Protein change: p.Arg4576Gln; replaces arginine 4576 with glutamine.
Molecular consequence: missense variant.
Genome position (GRCh38, 1-based): chr1:186,137,642, G>A. VCF-style: chr1-186137642-G-A. GRCh37 (hg19) VCF-style: chr1-186106774-G-A.
Other names: short protein forms R4576Q.
Identifiers: ClinVar variation 1983057 (VCV001983057.4), dbSNP rs773199953, ClinGen allele CA1294717.